The following is an entry in ClinVar:

ClinVar aggregate classification (germline): Uncertain significance. Review status: criteria provided, single submitter (1 of 4 stars). 2 submissions from 2 submitters: Uncertain significance (1). 1 of the submissions does not count toward it. Last evaluated 2024-10-21.

Conditions:
Cerebellar atrophy, visual impairment, and psychomotor retardation;. Also called: Cerebellar atrophy, visual impairment, and psychomotor retardation. Identifiers: MedGen C4225172, MONDO:0014811, OMIM 616875.

Submissions (2):

Labcorp Genetics (formerly Invitae), Labcorp
Classification: Uncertain significance. Last evaluated: 2024-10-21. Review status: criteria provided, single submitter. Criteria: Invitae Variant Classification Sherloc (09022015). Collection method: clinical testing. Allele origin: germline.
Comment: This sequence change replaces arginine, which is basic and polar, with glycine, which is neutral and non-polar, at codon 76 of the EMC1 protein (p.Arg76Gly). This variant is not present in population databases (gnomAD no frequency). This variant has not been reported in the literature in individuals affected with EMC1-related conditions. ClinVar contains an entry for this variant (Variation ID: 1510789). Invitae Evidence Modeling of protein sequence and biophysical properties (such as structural, functional, and spatial information, amino acid conservation, physicochemical variation, residue mobility, and thermodynamic stability) indicates that this missense variant is expected to disrupt EMC1 protein function with a positive predictive value of 80%. In summary, the available evidence is currently insufficient to determine the role of this variant in disease. Therefore, it has been classified as a Variant of Uncertain Significance.

Clinical Genetics Laboratory, University Hospital Schleswig-Holstein
Classification: Likely pathogenic for Cerebellar atrophy, visual impairment, and psychomotor retardation;. Last evaluated: 2023-09-22. Review status: no assertion criteria provided. Collection method: clinical testing. Allele origin: paternal. Affected: yes. Not counted in ClinVar's aggregate classification.

NM_015047.3(EMC1):c.226C>G (p.Arg76Gly)

Gene: EMC1 (ER membrane protein complex subunit 1; minus strand). Cytogenetic location: 1p36.13.
Variant type: single nucleotide variant.
Coding change: c.226C>G on transcript NM_015047.3 (MANE Select); coding-DNA position 226, C replaced by G.
Protein change: p.Arg76Gly; replaces arginine 76 with glycine.
Molecular consequence: missense variant. On other transcripts: intron variant (1).
Genome position (GRCh38, 1-based): chr1:19,244,010, G>C on the plus strand (C>G on the coding strand, the complement: EMC1 is on the minus strand). VCF-style: chr1-19244010-G-C. GRCh37 (hg19) VCF-style: chr1-19570504-G-C.
Other names: c.226C>G, p.Arg76Gly (NM_001271427.2, NM_001271428.2, NM_001375820.1 and 1 more transcripts); c.221-303C>G (NM_001271429.2); short protein forms R76G.
Identifiers: ClinVar variation 1510789 (VCV001510789.9), dbSNP rs372022434, ClinGen allele CA338773366.